The following is an entry in ClinVar:

NM_199420.4(POLQ):c.4987A>G (p.Ile1663Val)

Gene: POLQ (DNA polymerase theta; minus strand). Cytogenetic location: 3q13.33.
Variant type: single nucleotide variant.
Coding change: c.4987A>G on transcript NM_199420.4 (MANE Select); coding-DNA position 4987, A replaced by G.
Protein change: p.Ile1663Val; replaces isoleucine 1663 with valine.
Molecular consequence: missense variant.
Genome position (GRCh38, 1-based): chr3:121,487,944, T>C on the plus strand (A>G on the coding strand, the complement: POLQ is on the minus strand). VCF-style: chr3-121487944-T-C. GRCh37 (hg19) VCF-style: chr3-121206791-T-C.
Other names: short protein forms I1663V.
Identifiers: ClinVar variation 3422391 (VCV003422391.1).

ClinVar aggregate classification (germline): Uncertain significance (1 of 4 stars; one submission).

gnomAD v4.1: 3 of 1,604,234 alleles (0.00019%); highest among the groups gnomAD compares: Non-Finnish European, 0.00025%; no homozygotes.

Submission:

Ambry Genetics
Classification: Uncertain significance. Last evaluated: 2024-09-15. Review status: criteria provided, single submitter. Criteria: Ambry Variant Classification Scheme 2023. Collection method: clinical testing. Allele origin: germline.
Comment: The p.I1663V variant (also known as c.4987A>G), located in coding exon 16 of the POLQ gene, results from an A to G substitution at nucleotide position 4987. The isoleucine at codon 1663 is replaced by valine, an amino acid with highly similar properties. This amino acid position is conserved. In addition, this alteration is predicted to be tolerated by in silico analysis. Based on the available evidence, the clinical significance of this variant remains unclear.